The following is an entry in ClinVar:

NM_001540.5(HSPB1):c.415A>G (p.Thr139Ala)

Gene: HSPB1 (heat shock protein family B (small) member 1; plus strand). Cytogenetic location: 7q11.23.
Variant type: single nucleotide variant.
Coding change: c.415A>G on transcript NM_001540.5 (MANE Select); coding-DNA position 415, A replaced by G.
Protein change: p.Thr139Ala; replaces threonine 139 with alanine.
Molecular consequence: missense variant.
Genome position (GRCh38, 1-based): chr7:76,303,852, A>G. VCF-style: chr7-76303852-A-G. GRCh37 (hg19) VCF-style: chr7-75933169-A-G.
Other names: short protein forms T139A.
Identifiers: ClinVar variation 549674 (VCV000549674.5), dbSNP rs1554614648, ClinGen allele CA367765535.
Genomic context (GRCh38, chr7:76,303,852, plus strand): 5'-CCCCCCAAAGGCAAGCACGAGGAGCGGCAGGACGAGCATGGCTACATCTCCCGGTGCTTC[A>G]CGCGGAAATACACGTGAGTCCTGGCGCCAGGTCGGGGTGGGTGGGTGGCGTGGGGGTGGG-3'
Protein context (NP_001531.1, residues 129-149): DEHGYISRCF[Thr139Ala]RKYTLPPGVD

ClinVar aggregate classification (germline): Conflicting classifications of pathogenicity. Review status: criteria provided, conflicting classifications (1 of 4 stars). 4 submissions from 4 submitters: Pathogenic (1); Likely pathogenic (1); Uncertain significance (1). 1 of the submissions does not count toward it. Last evaluated 2024-05-02.

Conditions:
Charcot-Marie-Tooth disease axonal type 2F (CMT2F). Also called: Charcot-Marie-Tooth Neuropathy Type 2F; CHARCOT-MARIE-TOOTH DISEASE, NEURONAL, TYPE 2F. Identifiers: Orphanet 99940, MedGen C1847823, MONDO:0011687, OMIM 606595.
Neuronopathy, distal hereditary motor, type 2B. Also called: NEURONOPATHY, DISTAL HEREDITARY MOTOR, AUTOSOMAL DOMINANT 3; NEURONOPATHY, DISTAL HEREDITARY MOTOR, HARDING TYPE IIB; NEUROPATHY, DISTAL HEREDITARY MOTOR, HARDING TYPE IIB; HMN IIB. Identifiers: Orphanet 139525, MedGen C2608087, MONDO:0012080, OMIM 608634.
HSPB1-related disorder. Also called: HSPB1-related disorders; HSPB1-related condition.

Submissions (4):

Labcorp Genetics (formerly Invitae), Labcorp
Classification: Uncertain significance for Charcot-Marie-Tooth disease axonal type 2F. Last evaluated: 2024-05-02. Review status: criteria provided, single submitter. Criteria: Invitae Variant Classification Sherloc (09022015). Collection method: clinical testing. Allele origin: germline.
Comment: This sequence change replaces threonine, which is neutral and polar, with alanine, which is neutral and non-polar, at codon 139 of the HSPB1 protein (p.Thr139Ala). This variant is not present in population databases (gnomAD no frequency). This missense change has been observed in individual(s) with autosomal dominant Charcot-Marie-Tooth disease (PMID: 29858556). ClinVar contains an entry for this variant (Variation ID: 549674). Advanced modeling of protein sequence and biophysical properties (such as structural, functional, and spatial information, amino acid conservation, physicochemical variation, residue mobility, and thermodynamic stability) has been performed at Invitae for this missense variant, however the output from this modeling did not meet the statistical confidence thresholds required to predict the impact of this variant on HSPB1 protein function. This variant disrupts the p.Thr139 amino acid residue in HSPB1. Other variant(s) that disrupt this residue have been determined to be pathogenic (PMID: 28828227). This suggests that this residue is clinically significant, and that variants that disrupt this residue are likely to be disease-causing. In summary, the available evidence is currently insufficient to determine the role of this variant in disease. Therefore, it has been classified as a Variant of Uncertain Significance.

Blueprint Genetics
Classification: Likely pathogenic for HSPB1-related disorders. Last evaluated: 2021-12-23. Review status: criteria provided, single submitter. Criteria: ACMG Guidelines, 2015. Collection method: clinical testing. Allele origin: germline. Affected: yes. Observed: 1 variant allele.

Institute of Human Genetics, University Hospital of Duesseldorf
Classification: Pathogenic for Charcot-Marie-Tooth disease axonal type 2F. Review status: criteria provided, single submitter. Criteria: ACMG Guidelines, 2015. Collection method: not provided. Allele origin: germline. Inheritance: Autosomal dominant inheritance. Affected: yes.

Institute of Human Genetics, Cologne University
Classification: Likely pathogenic for Neuronopathy, distal hereditary motor, type 2B. Last evaluated: 2018-04-25. Review status: no assertion criteria provided. Collection method: clinical testing. Allele origin: unknown. Affected: yes. Not counted in ClinVar's aggregate classification.

Literature cited by the submitters: PubMed 29858556 (cited by Labcorp Genetics (formerly Invitae), Labcorp); PubMed 28828227 (cited by Labcorp Genetics (formerly Invitae), Labcorp).